The following is an entry in ClinVar:

NM_018670.4(MESP1):c.551G>A (p.Gly184Glu)

Genes: MESP1 (mesoderm posterior bHLH transcription factor 1; minus strand), LOC130057888 (ATAC-STARR-seq lymphoblastoid silent region 6803; plus strand). Cytogenetic location: 15q26.1.
Variant type: single nucleotide variant.
Coding change: c.551G>A on transcript NM_018670.4 (MANE Select); coding-DNA position 551, G replaced by A.
Protein change: p.Gly184Glu; replaces glycine 184 with glutamic acid.
Molecular consequence: missense variant.
Genome position (GRCh38, 1-based): chr15:89,750,681, C>T on the plus strand (G>A on the coding strand, the complement: MESP1 is on the minus strand). VCF-style: chr15-89750681-C-T. GRCh37 (hg19) VCF-style: chr15-90293912-C-T.
Other names: short protein forms G184E.
Identifiers: ClinVar variation 3294275 (VCV003294275.2).

ClinVar aggregate classification (germline): Uncertain significance. Review status: criteria provided, multiple submitters, no conflicts (2 of 4 stars). 2 submissions from 2 submitters: Uncertain significance (2). Last evaluated 2025-06-12.

gnomAD v4.1: 241 of 1,361,116 alleles (0.018%); highest among the groups gnomAD compares: Non-Finnish European, 0.021%; no homozygotes.

Submissions (2):

Labcorp Genetics (formerly Invitae), Labcorp
Classification: Uncertain significance. Last evaluated: 2025-06-12. Review status: criteria provided, single submitter. Criteria: Invitae Variant Classification Sherloc (09022015). Collection method: clinical testing. Allele origin: germline.
Comment: This sequence change replaces glycine, which is neutral and non-polar, with glutamic acid, which is acidic and polar, at codon 184 of the MESP1 protein (p.Gly184Glu). This variant is present in population databases (rs746859651, gnomAD 0.01%). This variant has not been reported in the literature in individuals affected with MESP1-related conditions. ClinVar contains an entry for this variant (Variation ID: 3294275). An algorithm developed to predict the effect of missense changes on protein structure and function (PolyPhen-2) suggests that this variant is likely to be disruptive. In summary, the available evidence is currently insufficient to determine the role of this variant in disease. Therefore, it has been classified as a Variant of Uncertain Significance.

Ambry Genetics
Classification: Uncertain significance. Last evaluated: 2024-04-15. Review status: criteria provided, single submitter. Criteria: Ambry Variant Classification Scheme 2023. Collection method: clinical testing. Allele origin: germline.